The following is an entry in ClinVar:

ClinVar aggregate classification (germline): Likely benign (0 of 4 stars; one submission).

Conditions:
NRP2-related disorder. Also called: NRP2-related condition.

Submission:

PreventionGenetics, part of Exact Sciences
Classification: Likely benign for NRP2-related condition. Last evaluated: 2024-06-26. Review status: no assertion criteria provided. Collection method: clinical testing. Allele origin: germline.
Comment: This variant is classified as likely benign based on ACMG/AMP sequence variant interpretation guidelines (Richards et al. 2015 PMID: 25741868, with internal and published modifications).

NM_003872.3(NRP2):c.601T>C (p.Leu201=)

Gene: NRP2 (neuropilin 2; plus strand). Cytogenetic location: 2q33.3.
Variant type: single nucleotide variant.
Coding change: c.601T>C on transcript NM_003872.3 (MANE Select); coding-DNA position 601, T replaced by C.
Protein change: p.Leu201=; no amino-acid change (leucine 201 retained).
Molecular consequence: synonymous variant.
Genome position (GRCh38, 1-based): chr2:205,722,645, T>C. VCF-style: chr2-205722645-T-C. GRCh37 (hg19) VCF-style: chr2-206587369-T-C.
Other names: c.601T>C, p.Leu201= (NM_018534.4, NM_201264.2, NM_201266.2 and 2 more transcripts).
Identifiers: ClinVar variation 3349199 (VCV003349199.1).
Genomic context (GRCh38, chr2:205,722,645, plus strand): 5'-GCCAAACCCAAGATGGAGATCATCCTGCAGTTCCTGATCTTTGACCTGGAGCATGACCCT[T>C]TGCAGGTGGGAGAGGGGGACTGCAAGTACGATTGGCTGGACATCTGGGATGGCATTCCAC-3'
Protein context (NP_003863.2, residues 191-211): FLIFDLEHDP[Leu201=]QVGEGDCKYD